The following is an entry in ClinVar:

ClinVar aggregate classification (germline): Uncertain significance (1 of 4 stars; one submission).

Conditions:
Emery-Dreifuss muscular dystrophy 5, autosomal dominant (EDMD5). Also called: EMERY-DREIFUSS MUSCULAR DYSTROPHY 5. Identifiers: Orphanet 261, MedGen C2751805, MONDO:0013072, OMIM 612999.

gnomAD v4.1: 3 of 1,612,998 alleles (0.00019%); highest among the groups gnomAD compares: Non-Finnish European, 0.00025%; no homozygotes.

Submission:

Labcorp Genetics (formerly Invitae), Labcorp
Classification: Uncertain significance for Emery-Dreifuss muscular dystrophy 5, autosomal dominant. Last evaluated: 2024-02-24. Review status: criteria provided, single submitter. Criteria: Invitae Variant Classification Sherloc (09022015). Collection method: clinical testing. Allele origin: germline.
Comment: This sequence change replaces lysine, which is basic and polar, with asparagine, which is neutral and polar, at codon 5198 of the SYNE2 protein (p.Lys5198Asn). This variant is present in population databases (no rsID available, gnomAD 0.0009%). This variant has not been reported in the literature in individuals affected with SYNE2-related conditions. An algorithm developed to predict the effect of missense changes on protein structure and function (PolyPhen-2) suggests that this variant is likely to be disruptive. In summary, the available evidence is currently insufficient to determine the role of this variant in disease. Therefore, it has been classified as a Variant of Uncertain Significance.

NM_182914.3(SYNE2):c.15594A>C (p.Lys5198Asn)

Gene: SYNE2 (spectrin repeat containing nuclear envelope protein 2; plus strand). Cytogenetic location: 14q23.2.
Variant type: single nucleotide variant.
Coding change: c.15594A>C on transcript NM_182914.3 (MANE Select); coding-DNA position 15594, A replaced by C.
Protein change: p.Lys5198Asn; replaces lysine 5198 with asparagine.
Molecular consequence: missense variant.
Genome position (GRCh38, 1-based): chr14:64,146,178, A>C. VCF-style: chr14-64146178-A-C. GRCh37 (hg19) VCF-style: chr14-64612896-A-C.
Other names: c.15594A>C, p.Lys5198Asn (NM_015180.6); short protein forms K5198N.
Identifiers: ClinVar variation 3703240 (VCV003703240.2).
Genomic context (GRCh38, chr14:64,146,178, plus strand): 5'-AATACAGATCTTGAACAACTGGCTGGAAGCACAAGAAGAGAGACTGAAAACTTTACAAAA[A>C]CCTGAAAGTGTGATCTCAGTGCAGAAGCTGCTCCTGGACTGTCAGGTGAGGAGGGGAACA-3'
Protein context (NP_878918.2, residues 5188-5208): AQEERLKTLQ[Lys5198Asn]PESVISVQKL